The following is an entry in ClinVar:

ClinVar aggregate classification (germline): Benign/Likely benign. Review status: criteria provided, multiple submitters, no conflicts (2 of 4 stars). 26 submissions from 25 submitters: Benign (3); Likely benign (16). 7 of the submissions do not count toward it. Last evaluated 2026-09-01.

Conditions:
Connective tissue disorder. Also called: Connective tissue disease. Identifiers: MedGen C0009782, MONDO:0003900.
Colorectal cancer, hereditary nonpolyposis, type 6. Also called: Colon cancer, hereditary nonpolyposis, type 6; Colon cancer, hereditary nonpolyposis, type 6, somatic. Identifiers: Orphanet 144, MedGen C1860896, MONDO:0013695, OMIM 614331.
Loeys-Dietz syndrome 2 (LDS2). Also called: AORTIC ANEURYSM, FAMILIAL THORACIC 3; MARFAN SYNDROME, TYPE II; TGFBR2-Related Loeys-Dietz Syndrome; Marfan syndrome, type 2 (formerly); Marfan Syndrome type 2; Marfan like connective tissue disorder. Identifiers: Orphanet 284973, Orphanet 558, MedGen C2674574, MONDO:0012427, OMIM 610168.
Malignant tumor of esophagus. Also called: Esophageal cancer, somatic; Esophageal cancer. Identifiers: Orphanet 99977, MedGen C0546837, MONDO:0007576, OMIM 133239.
Ehlers-Danlos syndrome (EDS). Identifiers: Orphanet 98249, MedGen C0013720, MONDO:0020066.
Loeys-Dietz syndrome (LDS). Identifiers: Orphanet 60030, MedGen C2697932, MONDO:0018954.
Familial thoracic aortic aneurysm and aortic dissection (TAAD). Also called: Thoracic aortic aneurysms and dissections. Identifiers: Orphanet 91387, MedGen C4707243, MONDO:0019625.
Marfan syndrome (MFS). Also called: Marfan syndrome, classic; FBN1-Related Marfan Syndrome; Marfan syndrome type 1; Marfan's syndrome; MARFAN SYNDROME, TYPE I. Identifiers: Orphanet 284963, Orphanet 558, MedGen C0024796, MONDO:0007947, OMIM 154700.

Allele frequency attached by ClinVar (database versions not stated): TOPMed 0.00149; gnomAD exomes 0.00173 and 0.00144; ESP Exome Variant Server 0.00115; 1000 Genomes Project 0.00120; gnomAD 0.00127 and 0.00130; 1000 Genomes Project 30x 0.00125; ExAC 0.00139.
gnomAD v4.1: 2,743 of 1,608,076 alleles (0.17%); highest among the groups gnomAD compares: Admixed American, 0.38%; 10 homozygotes.

Submissions (26):

CeGaT Center for Human Genetics Tuebingen
Classification: Likely benign. Last evaluated: 2026-09-01. Review status: criteria provided, single submitter. Criteria: CeGaT Center For Human Genetics Tuebingen Variant Classification Criteria Version 2. Collection method: clinical testing. Allele origin: germline. Affected: yes. Observed: 23 variant alleles.
Comment: TGFBR2: BS1

Labcorp Genetics (formerly Invitae), Labcorp
Classification: Likely benign for Familial thoracic aortic aneurysm and aortic dissection. Last evaluated: 2026-02-04. Review status: criteria provided, single submitter. Criteria: Invitae Variant Classification Sherloc (09022015). Collection method: clinical testing. Allele origin: germline.

Mayo Clinic Laboratories, Mayo Clinic
Classification: Likely benign. Last evaluated: 2025-07-15. Review status: criteria provided, single submitter. Criteria: ACMG Guidelines, 2015. Collection method: clinical testing. Allele origin: germline. Observed: 12 variant alleles.
Comment: BS1, BP4

Blueprint Genetics
Classification: Likely benign. Last evaluated: 2024-11-21. Review status: criteria provided, single submitter. Criteria: ACMG Guidelines, 2015. Collection method: clinical testing. Allele origin: germline.

All of Us Research Program, National Institutes of Health
Classification: Likely benign for Loeys-Dietz syndrome 2. Last evaluated: 2024-09-23. Review status: criteria provided, single submitter. Criteria: ACMG Guidelines, 2015. Collection method: clinical testing. Allele origin: germline. Inheritance: Autosomal dominant inheritance. Observed: 479 variant alleles, 479 heterozygotes.
Comment: This study involves interpretation of variants in research participants for the purpose of population health screening. Participant phenotype was not available at the time of variant classification. Additional details can be found in publication PMID: 35346344, PMCID: PMC8962531

ARUP Laboratories, Molecular Genetics and Genomics, ARUP Laboratories
Classification: Benign. Last evaluated: 2024-05-06. Review status: criteria provided, single submitter. Criteria: ARUP Molecular Germline Variant Investigation Process 2024. Collection method: clinical testing. Allele origin: germline.

GeneDx
Classification: Likely benign. Last evaluated: 2020-11-24. Review status: criteria provided, single submitter. Criteria: GeneDx Variant Classification Process June 2021. Collection method: clinical testing. Allele origin: germline. Affected: yes.
Comment: This variant is associated with the following publications: (PMID: 17344846, 16928994, 9395234, 23884466, 27153395, 18781618)

Mendelics
Classification: Likely benign for Marfan syndrome. Last evaluated: 2019-05-28. Review status: criteria provided, single submitter. Criteria: Mendelics Assertion Criteria 2017. Collection method: clinical testing. Allele origin: unknown.

Genome Diagnostics Laboratory, The Hospital for Sick Children
Classification: Likely benign for Ehlers-Danlos syndrome. Last evaluated: 2019-05-01. Review status: criteria provided, single submitter. Criteria: ACMG Guidelines, 2015. Collection method: clinical testing. Allele origin: germline.

CHEO Genetics Diagnostic Laboratory, Children's Hospital of Eastern Ontario
Classification: Benign for Familial thoracic aortic aneurysm and aortic dissection. Last evaluated: 2019-03-25. Review status: criteria provided, single submitter. Criteria: ACMG Guidelines, 2015. Collection method: clinical testing. Allele origin: germline.

Ambry Genetics
Classification: Likely benign for Familial thoracic aortic aneurysm and aortic dissection. Last evaluated: 2019-01-23. Review status: criteria provided, single submitter. Criteria: Ambry Variant Classification Scheme 2023. Collection method: clinical testing. Allele origin: germline.

Molecular Diagnostic Laboratory for Inherited Cardiovascular Disease, Montreal Heart Institute
Classification: Benign. Last evaluated: 2019-01-14. Review status: criteria provided, single submitter. Criteria: ACMG Guidelines, 2015. Collection method: clinical testing. Allele origin: germline. Affected: yes.

Center for Human Genetics, Inc
Classification: Likely benign for Connective tissue disorder. Last evaluated: 2018-06-01. Review status: criteria provided, single submitter. Criteria: ACMG Guidelines, 2015. Collection method: clinical testing. Allele origin: germline. Affected: yes.

Color Diagnostics, LLC DBA Color Health
Classification: Likely benign for Familial thoracic aortic aneurysm and aortic dissection. Last evaluated: 2018-03-16. Review status: criteria provided, single submitter. Criteria: ACMG Guidelines, 2015. Collection method: clinical testing. Allele origin: germline.

Eurofins Ntd Llc (ga)
Classification: Likely benign. Last evaluated: 2017-02-06. Review status: criteria provided, single submitter. Criteria: EGL Classification Definitions 2015. Collection method: clinical testing. Allele origin: germline. Observed: 1 variant allele, 1 heterozygote.

Center for Human Genetics, Inc
Classification: Likely benign for Familial thoracic aortic aneurysm and aortic dissection. Last evaluated: 2016-11-01. Review status: criteria provided, single submitter. Criteria: ACMG Guidelines, 2015. Collection method: clinical testing. Allele origin: germline. Affected: yes.

Laboratory for Molecular Medicine, Mass General Brigham Personalized Medicine
Classification: Likely benign. Last evaluated: 2011-06-15. Review status: criteria provided, single submitter. Criteria: LMM Criteria. Collection method: clinical testing. Allele origin: germline. Observed: 4 variant alleles.
Comment: In addition, this residue is not highly conse rved through different species, which raises the possibility that amino acid cha nges at this position may be tolerated. Therefore, this variant is likely to be benign.

Center for Genomics, Ann and Robert H. Lurie Children's Hospital of Chicago
Classification: Likely benign for Loeys-Dietz syndrome 2; Colorectal cancer, hereditary nonpolyposis, type 6; Malignant tumor of esophagus. Review status: criteria provided, single submitter. Criteria: ACMG Guidelines, 2015. Collection method: clinical testing. Allele origin: germline.
Comment: TGFBR2 NM_003242.5 exon 4 p.Met373Ile (c.1119G>A): This variant has been reported in the literature in one individual with Loeys-Dietz syndrome (Frischmeyer-Guerrerio 2013 PMID:23884466). However, this variant isalso present in 0.3% (47/13666) of Latino alleles in the Genome Aggregation Database and is present in ClinVar, with several labs classifying this variant as benign or likely benign (Variation ID:36859). Evolutionary conservation and computational predictive tools suggest that this variant may not impact the protein. In summary, data on this variant suggests that this variant does not cause disease, but requires further evidence. Therefore this variant is classified as likely benign.

PreventionGenetics, part of Exact Sciences
Classification: Likely benign. Review status: criteria provided, single submitter. Criteria: ACMG Guidelines, 2015. Collection method: clinical testing. Allele origin: germline.

Women's Health and Genetics/Laboratory Corporation of America, LabCorp
Classification: Benign for Loeys-Dietz Syndrome. Last evaluated: 2015-02-23. Review status: no assertion criteria provided. Collection method: clinical testing. Allele origin: germline. Not counted in ClinVar's aggregate classification.

Clinical Genetics DNA and cytogenetics Diagnostics Lab, Erasmus MC, Erasmus Medical Center
Classification: Likely benign. Review status: no assertion criteria provided. Collection method: clinical testing. Allele origin: germline. Affected: yes. Study: VKGL Data-share Consensus. Not counted in ClinVar's aggregate classification.

Department of Pathology and Laboratory Medicine, Sinai Health System
Classification: Benign. Review status: no assertion criteria provided. Collection method: clinical testing. Allele origin: unknown. Affected: yes. Study: The Canadian Open Genetics Repository (COGR). Not counted in ClinVar's aggregate classification.
Comment: LB/B > 4 on ClinVar or LB/B > 2 Rep

Genome Diagnostics Laboratory, Amsterdam University Medical Center
Classification: Likely benign. Review status: no assertion criteria provided. Collection method: clinical testing. Allele origin: germline. Affected: yes. Study: VKGL Data-share Consensus. Not counted in ClinVar's aggregate classification.

Genome Diagnostics Laboratory, University Medical Center Utrecht
Classification: Likely benign. Review status: no assertion criteria provided. Collection method: clinical testing. Allele origin: germline. Affected: yes. Study: VKGL Data-share Consensus. Not counted in ClinVar's aggregate classification.

Laboratory of Diagnostic Genome Analysis, Leiden University Medical Center (LUMC)
Classification: Likely benign. Review status: no assertion criteria provided. Collection method: clinical testing. Allele origin: germline. Affected: yes. Study: VKGL Data-share Consensus. Not counted in ClinVar's aggregate classification.

Genomic Diagnostic Laboratory, Division of Genomic Diagnostics, Children's Hospital of Philadelphia
Classification: Uncertain significance for Loeys-Dietz syndrome. Last evaluated: 2015-06-17. Review status: flagged submission. Criteria: DGD Variant Analysis Guidelines. Collection method: clinical testing. Allele origin: unknown. Not counted in ClinVar's aggregate classification.
ClinVar note: Reason: Claim with insufficient supporting evidence

Literature cited by the submitters: PubMed 23884466 (cited by Mayo Clinic Laboratories, Mayo Clinic); PubMed 27153395 (cited by Mayo Clinic Laboratories, Mayo Clinic); PubMed 37937776 (cited by Mayo Clinic Laboratories, Mayo Clinic); PubMed 16928994 (cited by Ambry Genetics and Laboratory for Molecular Medicine, Mass General Brigham Personalized Medicine); PubMed 18781618 (cited by Ambry Genetics and Laboratory for Molecular Medicine, Mass General Brigham Personalized Medicine); PubMed 9395234 (cited by Laboratory for Molecular Medicine, Mass General Brigham Personalized Medicine); PubMed 17344846 (cited by Laboratory for Molecular Medicine, Mass General Brigham Personalized Medicine).

NM_003242.6(TGFBR2):c.1119G>A (p.Met373Ile)

Gene: TGFBR2 (transforming growth factor beta receptor 2; plus strand). Cytogenetic location: 3p24.1.
Variant type: single nucleotide variant.
Coding change: c.1119G>A on transcript NM_003242.6 (MANE Select); coding-DNA position 1119, G replaced by A.
Protein change: p.Met373Ile; replaces methionine 373 with isoleucine.
Molecular consequence: missense variant.
Genome position (GRCh38, 1-based): chr3:30,672,302, G>A. VCF-style: chr3-30672302-G-A. GRCh37 (hg19) VCF-style: chr3-30713794-G-A.
Other names: c.1194G>A, p.Met398Ile (NM_001024847.3); c.1302G>A, p.Met434Ile (NM_001407126.1); c.1227G>A, p.Met409Ile (NM_001407127.1); c.1146G>A, p.Met382Ile (NM_001407128.1); c.1122G>A, p.Met374Ile (NM_001407129.1); c.1119G>A, p.Met373Ile (NM_001407130.1); c.1014G>A, p.Met338Ile (NM_001407132.1, NM_001407133.1, NM_001407134.1 and 2 more transcripts); c.834G>A, p.Met278Ile (NM_001407137.1); and 1 more; short protein forms M373I, M398I, M409I, M253I, M338I, M374I, M278I, M382I.
Identifiers: ClinVar variation 36859 (VCV000036859.89), dbSNP rs35719192, ClinGen allele CA020605.
Genomic context (GRCh38, chr3:30,672,302, plus strand): 5'-CCTCGCCCGGGGGATTGCTCACCTCCACAGTGATCACACTCCATGTGGGAGGCCCAAGAT[G>A]CCCATCGTGCACAGGGACCTCAAGAGCTCCAATATCCTCGTGAAGAACGACCTAACCTGC-3'
Protein context (NP_003233.4, residues 363-383): SDHTPCGRPK[Met373Ile]PIVHRDLKSS